The following is an entry in ClinVar:

NM_030962.4(SBF2):c.2704A>G (p.Thr902Ala)

Genes: SBF2 (SET binding factor 2; minus strand), LOC101928008 (uncharacterized LOC101928008; plus strand). Cytogenetic location: 11p15.4.
Variant type: single nucleotide variant.
Coding change: c.2704A>G on transcript NM_030962.4 (MANE Select); coding-DNA position 2704, A replaced by G.
Protein change: p.Thr902Ala; replaces threonine 902 with alanine.
Molecular consequence: missense variant.
Genome position (GRCh38, 1-based): chr11:9,850,125, T>C on the plus strand (A>G on the coding strand, the complement: SBF2 is on the minus strand). VCF-style: chr11-9850125-T-C. GRCh37 (hg19) VCF-style: chr11-9871672-T-C.
Other names: c.2704A>G, p.Thr902Ala (NM_001386339.1); c.2575A>G, p.Thr859Ala (NM_001386342.1); short protein forms T859A, T902A.
Identifiers: ClinVar variation 1480832 (VCV001480832.6), dbSNP rs376463609, ClinGen allele CA5881473.

ClinVar aggregate classification (germline): Uncertain significance (1 of 4 stars; one submission).

Conditions:
Charcot-Marie-Tooth disease type 4. Also called: Charcot-Marie-Tooth, Type 4; Charcot-Marie-Tooth disease, type IV. Identifiers: Orphanet 64749, MedGen C4082197, MONDO:0018995.

Allele frequency attached by ClinVar (database versions not stated): gnomAD 0.00001; ESP Exome Variant Server 0.00008.
gnomAD v4.1: 11 of 1,613,828 alleles (0.00068%); highest among the groups gnomAD compares: Non-Finnish European, 0.00093%; no homozygotes.

Submission:

Labcorp Genetics (formerly Invitae), Labcorp
Classification: Uncertain significance for Charcot-Marie-Tooth disease type 4. Last evaluated: 2022-06-28. Review status: criteria provided, single submitter. Criteria: Invitae Variant Classification Sherloc (09022015). Collection method: clinical testing. Allele origin: germline.
Comment: This sequence change replaces threonine, which is neutral and polar, with alanine, which is neutral and non-polar, at codon 902 of the SBF2 protein (p.Thr902Ala). This variant is present in population databases (rs376463609, gnomAD 0.002%). This variant has not been reported in the literature in individuals affected with SBF2-related conditions. Algorithms developed to predict the effect of missense changes on protein structure and function (SIFT, PolyPhen-2, Align-GVGD) all suggest that this variant is likely to be tolerated. In summary, the available evidence is currently insufficient to determine the role of this variant in disease. Therefore, it has been classified as a Variant of Uncertain Significance.